The following is an entry in ClinVar:

ClinVar aggregate classification (germline): Uncertain significance (1 of 4 stars; one submission).

Submission:

Labcorp Genetics (formerly Invitae), Labcorp
Classification: Uncertain significance. Last evaluated: 2022-02-04. Review status: criteria provided, single submitter. Criteria: Invitae Variant Classification Sherloc (09022015). Collection method: clinical testing. Allele origin: germline.
Comment: This variant is not present in population databases (gnomAD no frequency). This variant has not been reported in the literature in individuals affected with PRPF31-related conditions. This sequence change replaces aspartic acid, which is acidic and polar, with asparagine, which is neutral and polar, at codon 329 of the PRPF31 protein (p.Asp329Asn). Algorithms developed to predict the effect of missense changes on protein structure and function (SIFT, PolyPhen-2, Align-GVGD) all suggest that this variant is likely to be tolerated. In summary, the available evidence is currently insufficient to determine the role of this variant in disease. Therefore, it has been classified as a Variant of Uncertain Significance.

NM_015629.4(PRPF31):c.985G>A (p.Asp329Asn)

Gene: PRPF31 (pre-mRNA processing factor 31; plus strand). Cytogenetic location: 19q13.42.
Variant type: single nucleotide variant.
Coding change: c.985G>A on transcript NM_015629.4 (MANE Select); coding-DNA position 985, G replaced by A.
Protein change: p.Asp329Asn; replaces aspartic acid 329 with asparagine.
Molecular consequence: missense variant.
Genome position (GRCh38, 1-based): chr19:54,128,112, G>A. VCF-style: chr19-54128112-G-A. GRCh37 (hg19) VCF-style: chr19-54631487-G-A.
Other names: short protein forms D329N.
Identifiers: ClinVar variation 1464671 (VCV001464671.6), dbSNP rs2146443961, ClinGen allele CA407753009.